The following is an entry in ClinVar:

ClinVar aggregate classification (germline): Uncertain significance. Review status: criteria provided, multiple submitters, no conflicts (2 of 4 stars). 2 submissions from 2 submitters: Uncertain significance (2). Last evaluated 2025-08-17.

Conditions:
NFKB2-related disorder. Also called: NFKB2-related condition.
Immunodeficiency, common variable, 10. Also called: IMMUNODEFICIENCY, COMMON VARIABLE, WITH CENTRAL ADRENAL INSUFFICIENCY; DEFICIT IN ANTERIOR PITUITARY FUNCTION AND VARIABLE IMMUNODEFICIENCY. Identifiers: MedGen C3809991, MONDO:0014260, OMIM 615577.

Allele frequency attached by ClinVar (database versions not stated): TOPMed below 0.00001.

Submissions (2):

PreventionGenetics, part of Exact Sciences
Classification: Uncertain significance for NFKB2-related condition. Last evaluated: 2025-08-17. Review status: criteria provided, single submitter. Criteria: ACMG Guidelines, 2015. Collection method: clinical testing. Allele origin: germline.
Comment: The NFKB2 c.1564C>A variant is predicted to result in the amino acid substitution p.Leu522Ile. To our knowledge, this variant has not been reported in the literature or in a large population database (gnomAD), indicating this variant is rare. At this time, the clinical significance of this variant is uncertain due to the absence of conclusive functional and genetic evidence.

Labcorp Genetics (formerly Invitae), Labcorp
Classification: Uncertain significance for Immunodeficiency, common variable, 10. Last evaluated: 2022-09-19. Review status: criteria provided, single submitter. Criteria: Invitae Variant Classification Sherloc (09022015). Collection method: clinical testing. Allele origin: germline.
Comment: ClinVar contains an entry for this variant (Variation ID: 1448976). Algorithms developed to predict the effect of missense changes on protein structure and function output the following: SIFT: "Tolerated"; PolyPhen-2: "Benign"; Align-GVGD: "Class C0". The isoleucine amino acid residue is found in multiple mammalian species, which suggests that this missense change does not adversely affect protein function. In summary, the available evidence is currently insufficient to determine the role of this variant in disease. Therefore, it has been classified as a Variant of Uncertain Significance. This sequence change replaces leucine, which is neutral and non-polar, with isoleucine, which is neutral and non-polar, at codon 522 of the NFKB2 protein (p.Leu522Ile). This variant is not present in population databases (gnomAD no frequency). This variant has not been reported in the literature in individuals affected with NFKB2-related conditions.

NM_001322934.2(NFKB2):c.1564C>A (p.Leu522Ile)

Gene: NFKB2 (nuclear factor kappa B subunit 2; plus strand). Cytogenetic location: 10q24.32.
Variant type: single nucleotide variant.
Coding change: c.1564C>A on transcript NM_001322934.2 (MANE Select); coding-DNA position 1564, C replaced by A.
Protein change: p.Leu522Ile; replaces leucine 522 with isoleucine.
Molecular consequence: missense variant.
Genome position (GRCh38, 1-based): chr10:102,400,174, C>A. VCF-style: chr10-102400174-C-A. GRCh37 (hg19) VCF-style: chr10-104159931-C-A.
Other names: c.1564C>A, p.Leu522Ile (NM_001077494.3, NM_001261403.3, NM_001288724.1 and 1 more transcripts); c.1438C>A, p.Leu480Ile (NM_001322935.1); short protein forms L480I, L522I.
Identifiers: ClinVar variation 1448976 (VCV001448976.10), dbSNP rs200575158, ClinGen allele CA212216262.